The following is an entry in ClinVar:

ClinVar aggregate classification (germline): Uncertain significance (1 of 4 stars; one submission).

Conditions:
Inborn genetic diseases. Identifiers: MedGen C0950123, MeSH D030342.

Submission:

Ambry Genetics
Classification: Uncertain significance for Inborn genetic diseases. Last evaluated: 2025-10-23. Review status: criteria provided, single submitter. Criteria: Ambry Variant Classification Scheme 2023. Collection method: clinical testing. Allele origin: germline.
Comment: The c.377G>C (p.R126P) alteration is located in exon 4 (coding exon 3) of the TBX22 gene. This alteration results from a G to C substitution at nucleotide position 377, causing the arginine (R) at amino acid position 126 to be replaced by a proline (P). This variant was not reported in population-based cohorts in the Genome Aggregation Database (gnomAD). Another variant at the same codon, c.376C>T (p.R126W), has been identified in individual(s) with features consistent with cleft palate with ankyloglossia (Kantaputra, 2011). This amino acid position is highly conserved in available vertebrate species. The p.R126P amino acid is located in the T-box binding domain (Kantaputra, 2011). This alteration is predicted to be deleterious by in silico analysis. Based on insufficient or conflicting evidence, the clinical significance of this alteration remains unclear.

Literature cited by the submitters: PubMed 21248356.

NM_001109878.2(TBX22):c.377G>C (p.Arg126Pro)

Gene: TBX22 (T-box transcription factor 22). Cytogenetic location: Xq21.1.
Variant type: single nucleotide variant.
Coding change: c.377G>C on transcript NM_001109878.2 (MANE Select); coding-DNA position 377, G replaced by C.
Protein change: p.Arg126Pro; replaces arginine 126 with proline.
Molecular consequence: missense variant.
Genome position (GRCh38, 1-based): chrX:80,024,083, G>C. VCF-style: chrX-80024083-G-C. GRCh37 (hg19) VCF-style: chrX-79279582-G-C.
Other names: c.17G>C, p.Arg6Pro (NM_001109879.2, NM_001303475.1); c.377G>C, p.Arg126Pro (NM_016954.2); short protein forms R126P, R6P.
Identifiers: ClinVar variation 4181287 (VCV004181287.2).